The following is an entry in ClinVar:

NM_005068.3(SIM1):c.2281A>T (p.Ile761Leu)

Gene: SIM1 (SIM bHLH transcription factor 1; minus strand). Cytogenetic location: 6q16.3.
Variant type: single nucleotide variant.
Coding change: c.2281A>T on transcript NM_005068.3 (MANE Select); coding-DNA position 2281, A replaced by T.
Protein change: p.Ile761Leu; replaces isoleucine 761 with leucine.
Molecular consequence: missense variant.
Genome position (GRCh38, 1-based): chr6:100,390,381, T>A on the plus strand (A>T on the coding strand, the complement: SIM1 is on the minus strand). VCF-style: chr6-100390381-T-A. GRCh37 (hg19) VCF-style: chr6-100838257-T-A.
Other names: c.2281A>T, p.Ile761Leu (NM_001374769.1); short protein forms I761L.
Identifiers: ClinVar variation 4727718 (VCV004727718.1).

ClinVar aggregate classification (germline): Uncertain significance (1 of 4 stars; one submission).

Submission:

Labcorp Genetics (formerly Invitae), Labcorp
Classification: Uncertain significance. Last evaluated: 2025-09-23. Review status: criteria provided, single submitter. Criteria: Invitae Variant Classification Sherloc (09022015). Collection method: clinical testing. Allele origin: germline.
Comment: This sequence change replaces isoleucine, which is neutral and non-polar, with leucine, which is neutral and non-polar, at codon 761 of the SIM1 protein (p.Ile761Leu). This variant is not present in population databases (gnomAD no frequency). This variant has not been reported in the literature in individuals affected with SIM1-related conditions. An algorithm developed to predict the effect of missense changes on protein structure and function (PolyPhen-2) suggests that this variant is likely to be disruptive. In summary, the available evidence is currently insufficient to determine the role of this variant in disease. Therefore, it has been classified as a Variant of Uncertain Significance.